The following is an entry in ClinVar:

GRCh38/hg38 7p15.3(chr7:22955449-23155175)x1

Genes: HYCC1 (hyccin PI4KA lipid kinase complex subunit 1; minus strand), KLHL7 (kelch like family member 7; plus strand), KLHL7-DT (KLHL7 divergent transcript; minus strand), LOC126859965 (P300/CBP strongly-dependent group 1 enhancer GRCh37_chr7:23060419-23061618; plus strand), LOC129998060 (ATAC-STARR-seq lymphoblastoid active region 25713; plus strand) and 3 more. Cytogenetic location: 7p15.3.
Variant type: copy number loss.
Change: copy number 1 (one copy instead of two) of chr7:22,955,449-23,155,175 (199.7 kb, GRCh38 coordinates, 1-based), cytogenetic band 7p15.3.
Identifiers: ClinVar variation 58864 (VCV000058864.1).

ClinVar aggregate classification (germline): Uncertain significance (1 of 4 stars; one submission).

Submission:

ISCA site 14
Classification: Uncertain significance. Last evaluated: 2011-08-12. Review status: criteria provided, single submitter. Criteria: Kaminsky et al. (Genet Med. 2011). Collection method: clinical testing. Allele origin: unknown. Affected: yes. Observed: 2 variant alleles.
Comment: Copy number variation identified through the course of routine clinical cytogenomic testing in postnatal populations. Clinical assertions have been curated as described in Kaminsky et al. 2011.